The following is an entry in ClinVar:

NM_173825.5(RABL3):c.138+1G>A

Gene: RABL3 (RAB, member of RAS oncogene family like 3; minus strand). Cytogenetic location: 3q13.33.
Variant type: single nucleotide variant.
Coding change: c.138+1G>A on transcript NM_173825.5 (MANE Select); the canonical splice donor site of the intron after coding-DNA position 138, G replaced by A.
Molecular consequence: splice donor variant.
Genome position (GRCh38, 1-based): chr3:120,730,695, C>T on the plus strand (G>A on the coding strand, the complement: RABL3 is on the minus strand). VCF-style: chr3-120730695-C-T. GRCh37 (hg19) VCF-style: chr3-120449542-C-T.
Other names: c.138+1G>A (NM_001363964.1, NM_001363965.1).
Identifiers: ClinVar variation 3033296 (VCV003033296.2), dbSNP rs374259858, ClinGen allele CA2560616.

ClinVar aggregate classification (germline): Uncertain significance (0 of 4 stars; one submission).

Conditions:
RABL3-related disorder. Also called: RABL3-related condition.

Allele frequency attached by ClinVar (database versions not stated): ExAC 0.00002.

Submission:

PreventionGenetics, part of Exact Sciences
Classification: Uncertain significance for RABL3-related condition. Last evaluated: 2023-12-26. Review status: no assertion criteria provided. Collection method: clinical testing. Allele origin: germline.
Comment: The RABL3 c.138+1G>A variant is predicted to disrupt the GT donor site and interfere with normal splicing. To our knowledge, this variant has not been reported in the literature. This variant is reported in 0.0018% of alleles in individuals of European (Non-Finnish) descent in gnomAD. At this time, the clinical significance of this variant is uncertain due to the absence of conclusive functional and genetic evidence.